The following is an entry in ClinVar:

ClinVar aggregate classification (germline): Uncertain significance (1 of 4 stars; one submission).

Conditions:
Inborn genetic diseases. Identifiers: MedGen C0950123, MeSH D030342.

gnomAD v4.1: 1 of 1,613,962 alleles (0.000062%); highest among the groups gnomAD compares: Non-Finnish European, 0.000085%; no homozygotes.

Submission:

Ambry Genetics
Classification: Uncertain significance for Inborn genetic diseases. Last evaluated: 2024-03-30. Review status: criteria provided, single submitter. Criteria: Ambry Variant Classification Scheme 2023. Collection method: clinical testing. Allele origin: germline.
Comment: The p.T2254S variant (also known as c.6760A>T), located in coding exon 40 of the ATR gene, results from an A to T substitution at nucleotide position 6760. The threonine at codon 2254 is replaced by serine, an amino acid with similar properties. This amino acid position is conserved. In addition, this alteration is predicted to be tolerated by in silico analysis. Based on the available evidence, the clinical significance of this alteration remains unclear.

NM_001184.4(ATR):c.6760A>T (p.Thr2254Ser)

Gene: ATR (ATR serine/threonine kinase; minus strand). Cytogenetic location: 3q23.
Variant type: single nucleotide variant.
Coding change: c.6760A>T on transcript NM_001184.4 (MANE Select); coding-DNA position 6760, A replaced by T.
Protein change: p.Thr2254Ser; replaces threonine 2254 with serine.
Molecular consequence: missense variant.
Genome position (GRCh38, 1-based): chr3:142,466,461, T>A on the plus strand (A>T on the coding strand, the complement: ATR is on the minus strand). VCF-style: chr3-142466461-T-A. GRCh37 (hg19) VCF-style: chr3-142185303-T-A.
Other names: c.6568A>T, p.Thr2190Ser (NM_001354579.2); short protein forms T2190S, T2254S.
Identifiers: ClinVar variation 3331428 (VCV003331428.1).